The following is an entry in ClinVar:

NM_001206927.2(DNAH8):c.11311A>G (p.Thr3771Ala)

Genes: DNAH8 (dynein axonemal heavy chain 8; plus strand), DNAH8-AS1 (DNAH8 antisense RNA 1; minus strand). Cytogenetic location: 6p21.2.
Variant type: single nucleotide variant.
Coding change: c.11311A>G on transcript NM_001206927.2 (MANE Select); coding-DNA position 11311, A replaced by G.
Protein change: p.Thr3771Ala; replaces threonine 3771 with alanine.
Molecular consequence: missense variant.
Genome position (GRCh38, 1-based): chr6:38,931,847, A>G. VCF-style: chr6-38931847-A-G. GRCh37 (hg19) VCF-style: chr6-38899623-A-G.
Other names: c.10660A>G, p.Thr3554Ala (NM_001371.4); short protein forms T3771A, T3554A.
Identifiers: ClinVar variation 1037236 (VCV001037236.8), dbSNP rs768042230, ClinGen allele CA3791014.

ClinVar aggregate classification (germline): Uncertain significance (1 of 4 stars; one submission).

Conditions:
Primary ciliary dyskinesia. Also called: Ciliary dyskinesia. Identifiers: Orphanet 244, MedGen C0008780, MONDO:0016575, HP:0012265.

Allele frequency attached by ClinVar (database versions not stated): gnomAD exomes below 0.00001 and 0.00001; ExAC 0.00001.
gnomAD v4.1: 4 of 1,600,398 alleles (0.00025%); highest among the groups gnomAD compares: East Asian, 0.009%; no homozygotes.

Submission:

Labcorp Genetics (formerly Invitae), Labcorp
Classification: Uncertain significance for Primary ciliary dyskinesia. Last evaluated: 2024-02-17. Review status: criteria provided, single submitter. Criteria: Invitae Variant Classification Sherloc (09022015). Collection method: clinical testing. Allele origin: germline.
Comment: This sequence change replaces threonine, which is neutral and polar, with alanine, which is neutral and non-polar, at codon 3771 of the DNAH8 protein (p.Thr3771Ala). The frequency data for this variant in the population databases is considered unreliable, as metrics indicate poor data quality at this position in the gnomAD database. This variant has not been reported in the literature in individuals affected with DNAH8-related conditions. ClinVar contains an entry for this variant (Variation ID: 1037236). Advanced modeling of protein sequence and biophysical properties (such as structural, functional, and spatial information, amino acid conservation, physicochemical variation, residue mobility, and thermodynamic stability) performed at Invitae indicates that this missense variant is not expected to disrupt DNAH8 protein function with a negative predictive value of 80%. In summary, the available evidence is currently insufficient to determine the role of this variant in disease. Therefore, it has been classified as a Variant of Uncertain Significance.